The following is an entry in ClinVar:

ClinVar aggregate classification (germline): Likely benign. Review status: criteria provided, multiple submitters, no conflicts (2 of 4 stars). 2 submissions from 2 submitters: Likely benign (2). Last evaluated 2025-12-13.

Conditions:
Intellectual disability. Also called: Intellectual functioning disability; Intellectual developmental disorder; intellectual disabilities. Identifiers: MedGen C3714756, MeSH D008607, MONDO:0001071, HP:0001249.

Allele frequency attached by ClinVar (database versions not stated): ExAC 0.00002; ESP Exome Variant Server 0.00015; gnomAD 0.00003; TOPMed 0.00010.
gnomAD v4.1: 46 of 1,613,830 alleles (0.0029%); highest among the groups gnomAD compares: Middle Eastern, 0.033%; no homozygotes.

Submissions (2):

Labcorp Genetics (formerly Invitae), Labcorp
Classification: Likely benign for Intellectual disability. Last evaluated: 2025-12-13. Review status: criteria provided, single submitter. Criteria: Invitae Variant Classification Sherloc (09022015). Collection method: clinical testing. Allele origin: germline.

GeneDx
Classification: Likely benign. Last evaluated: 2017-12-05. Review status: criteria provided, single submitter. Criteria: GeneDx Variant Classification (06012015). Collection method: clinical testing. Allele origin: germline. Affected: yes.
Comment: This variant is considered likely benign or benign based on one or more of the following criteria: it is a conservative change, it occurs at a poorly conserved position in the protein, it is predicted to be benign by multiple in silico algorithms, and/or has population frequency not consistent with disease.

NM_001371727.1(GABRB2):c.441C>T (p.Thr147=)

Gene: GABRB2 (gamma-aminobutyric acid type A receptor subunit beta2; minus strand). Cytogenetic location: 5q34.
Variant type: single nucleotide variant.
Coding change: c.441C>T on transcript NM_001371727.1 (MANE Select); coding-DNA position 441, C replaced by T.
Protein change: p.Thr147=; no amino-acid change (threonine 147 retained).
Molecular consequence: synonymous variant.
Genome position (GRCh38, 1-based): chr5:161,459,641, G>A on the plus strand (C>T on the coding strand, the complement: GABRB2 is on the minus strand). VCF-style: chr5-161459641-G-A. GRCh37 (hg19) VCF-style: chr5-160886647-G-A.
Other names: c.441C>T, p.Thr147= (NM_000813.3, NM_021911.3).
Identifiers: ClinVar variation 464938 (VCV000464938.12), dbSNP rs370578958, ClinGen allele CA3543604.